The following is an entry in ClinVar:

NM_003074.4(SMARCC1):c.2781+5G>A

Gene: SMARCC1 (SWI/SNF related BAF chromatin remodeling complex subunit C1; minus strand). Cytogenetic location: 3p21.31.
Variant type: single nucleotide variant.
Coding change: c.2781+5G>A on transcript NM_003074.4 (MANE Select); 5 bases into the intron after coding-DNA position 2781, G replaced by A.
Molecular consequence: intron variant.
Genome position (GRCh38, 1-based): chr3:47,622,202, C>T on the plus strand (G>A on the coding strand, the complement: SMARCC1 is on the minus strand). VCF-style: chr3-47622202-C-T. GRCh37 (hg19) VCF-style: chr3-47663692-C-T.
Identifiers: ClinVar variation 4689957 (VCV004689957.1).

ClinVar aggregate classification (germline): Uncertain significance (1 of 4 stars; one submission).

Submission:

GeneDx
Classification: Uncertain significance. Last evaluated: 2025-07-30. Review status: criteria provided, single submitter. Criteria: GeneDx Variant Classification Process June 2021. Collection method: clinical testing. Allele origin: germline. Affected: yes.
Comment: Has not been previously published as pathogenic or benign to our knowledge; Not observed at significant frequency in large population cohorts (gnomAD); In silico analysis suggests that this variant does not alter splicing